The following is an entry in ClinVar:

NM_013432.5(TONSL):c.1859G>A (p.Arg620Gln)

Genes: TONSL (tonsoku like, DNA repair protein; minus strand), TONSL-AS1 (TONSL antisense RNA 1; plus strand). Cytogenetic location: 8q24.3.
Variant type: single nucleotide variant.
Coding change: c.1859G>A on transcript NM_013432.5 (MANE Select); coding-DNA position 1859, G replaced by A.
Protein change: p.Arg620Gln; replaces arginine 620 with glutamine.
Molecular consequence: missense variant. On other transcripts: non-coding transcript variant (1).
Genome position (GRCh38, 1-based): chr8:144,436,788, C>T on the plus strand (G>A on the coding strand, the complement: TONSL is on the minus strand). VCF-style: chr8-144436788-C-T. GRCh37 (hg19) VCF-style: chr8-145662171-C-T.
Other names: short protein forms R620Q.
Identifiers: ClinVar variation 1956715 (VCV001956715.4), dbSNP rs79379836, ClinGen allele CA4943032.

ClinVar aggregate classification (germline): Uncertain significance (1 of 4 stars; one submission).

Allele frequency attached by ClinVar (database versions not stated): gnomAD exomes 0.00002; ExAC 0.00003; gnomAD 0.00003; TOPMed 0.00003; ESP Exome Variant Server 0.00015.
gnomAD v4.1: 36 of 1,611,310 alleles (0.0022%); highest among the groups gnomAD compares: African/African-American, 0.004%; no homozygotes.

Submission:

Labcorp Genetics (formerly Invitae), Labcorp
Classification: Uncertain significance. Last evaluated: 2024-09-18. Review status: criteria provided, single submitter. Criteria: Invitae Variant Classification Sherloc (09022015). Collection method: clinical testing. Allele origin: germline.
Comment: This sequence change replaces arginine, which is basic and polar, with glutamine, which is neutral and polar, at codon 620 of the TONSL protein (p.Arg620Gln). This variant is present in population databases (rs79379836, gnomAD 0.01%). This variant has not been reported in the literature in individuals affected with TONSL-related conditions. ClinVar contains an entry for this variant (Variation ID: 1956715). Invitae Evidence Modeling of protein sequence and biophysical properties (such as structural, functional, and spatial information, amino acid conservation, physicochemical variation, residue mobility, and thermodynamic stability) indicates that this missense variant is not expected to disrupt TONSL protein function with a negative predictive value of 80%. In summary, the available evidence is currently insufficient to determine the role of this variant in disease. Therefore, it has been classified as a Variant of Uncertain Significance.